The following is an entry in ClinVar:

ClinVar aggregate classification (germline): Uncertain significance (1 of 4 stars; one submission).

Conditions:
Malignant hyperthermia, susceptibility to, 1 (MHS1). Also called: Anesthesia related hyperthermia; Malignant hyperpyrexia; Fulminating hyperpyrexia; Pharmacogenic myopathy; RYR1-Related Malignant Hyperthermia Susceptibility; Malignant hyperthermia suceptibility 1. Identifiers: Orphanet 423, MedGen C2930980, MONDO:0007783, OMIM 145600.

Submission:

All of Us Research Program, National Institutes of Health
Classification: Uncertain significance for Malignant hyperthermia, susceptibility to, 1. Last evaluated: 2023-08-15. Review status: criteria provided, single submitter. Criteria: ACMG Guidelines, 2015. Collection method: clinical testing. Allele origin: germline. Inheritance: Autosomal dominant inheritance. Observed: 1 variant allele, 1 heterozygote.
Comment: This study involves interpretation of variants in research participants for the purpose of population health screening. Participant phenotype was not available at the time of variant classification. Additional details can be found in publication PMID: 35346344, PMCID: PMC8962531

NM_000540.3(RYR1):c.3906C>G (p.Cys1302Trp)

Gene: RYR1 (ryanodine receptor 1; plus strand). Cytogenetic location: 19q13.2.
Variant type: single nucleotide variant.
Coding change: c.3906C>G on transcript NM_000540.3 (MANE Select); coding-DNA position 3906, C replaced by G.
Protein change: p.Cys1302Trp; replaces cysteine 1302 with tryptophan.
Molecular consequence: missense variant.
Genome position (GRCh38, 1-based): chr19:38,473,517, C>G. VCF-style: chr19-38473517-C-G. GRCh37 (hg19) VCF-style: chr19-38964157-C-G.
Other names: c.3906C>G, p.Cys1302Trp (NM_001042723.2); short protein forms C1302W.
Identifiers: ClinVar variation 3072855 (VCV003072855.1), dbSNP rs765187520, ClinGen allele CA405642076.